The following is an entry in ClinVar:

NM_001127464.1:c.172A>T

Gene: ZNF469 (zinc finger protein 469; plus strand).
Variant type: single nucleotide variant.
Identifiers: ClinVar variation 4528154 (VCV004528154.1).

ClinVar aggregate classification (germline): Uncertain significance (1 of 4 stars; one submission).

Submission:

GeneDx
Classification: Uncertain significance. Last evaluated: 2025-05-08. Review status: criteria provided, single submitter. Criteria: GeneDx Variant Classification Process June 2021. Collection method: clinical testing. Allele origin: germline. Affected: yes.
Comment: Not observed at significant frequency in large population cohorts (gnomAD); In silico analysis suggests that this missense variant does not alter protein structure/function; Has not been previously published as pathogenic or benign to our knowledge